The following is an entry in ClinVar:

ClinVar aggregate classification (germline): Uncertain significance. Review status: criteria provided, single submitter (1 of 4 stars). 2 submissions from 2 submitters: Uncertain significance (1). 1 of the submissions does not count toward it. Last evaluated 2025-09-02.

Conditions:
Abetalipoproteinaemia (ABL). Also called: MTP DEFICIENCY; Abetalipoproteinemia; Abetalipoproteinemia neuropathy; Apolipoprotein B deficiency; Congenital betalipoprotein deficiency syndrome. Identifiers: Orphanet 14, MedGen C0000744, MONDO:0008692, OMIM 200100, HP:0008181.

Allele frequency attached by ClinVar (database versions not stated): TOPMed below 0.00001; gnomAD 0.00001; gnomAD exomes 0.00001.
gnomAD v4.1: 13 of 1,613,990 alleles (0.00081%); highest among the groups gnomAD compares: Non-Finnish European, 0.0011%; no homozygotes.

Submissions (2):

Labcorp Genetics (formerly Invitae), Labcorp
Classification: Uncertain significance. Last evaluated: 2025-09-02. Review status: criteria provided, single submitter. Criteria: Invitae Variant Classification Sherloc (09022015). Collection method: clinical testing. Allele origin: germline.
Comment: This sequence change replaces phenylalanine, which is neutral and non-polar, with leucine, which is neutral and non-polar, at codon 651 of the MTTP protein (p.Phe651Leu). This variant is not present in population databases (gnomAD no frequency). This variant has not been reported in the literature in individuals affected with MTTP-related conditions. ClinVar contains an entry for this variant (Variation ID: 1002566). Invitae Evidence Modeling of protein sequence and biophysical properties (such as structural, functional, and spatial information, amino acid conservation, physicochemical variation, residue mobility, and thermodynamic stability) indicates that this missense variant is not expected to disrupt MTTP protein function with a negative predictive value of 80%. In summary, the available evidence is currently insufficient to determine the role of this variant in disease. Therefore, it has been classified as a Variant of Uncertain Significance.

Natera, Inc.
Classification: Uncertain significance for Abetalipoproteinemia. Last evaluated: 2020-03-27. Review status: no assertion criteria provided. Collection method: clinical testing. Allele origin: germline. Not counted in ClinVar's aggregate classification.

NM_001386140.1(MTTP):c.1951T>C (p.Phe651Leu)

Gene: MTTP (microsomal triglyceride transfer protein; plus strand). Cytogenetic location: 4q23.
Variant type: single nucleotide variant.
Coding change: c.1951T>C on transcript NM_001386140.1 (MANE Select); coding-DNA position 1951, T replaced by C.
Protein change: p.Phe651Leu; replaces phenylalanine 651 with leucine.
Molecular consequence: missense variant.
Genome position (GRCh38, 1-based): chr4:99,611,415, T>C. VCF-style: chr4-99611415-T-C. GRCh37 (hg19) VCF-style: chr4-100532572-T-C.
Other names: c.1951T>C, p.Phe651Leu (NM_000253.4); c.1702T>C, p.Phe568Leu (NM_001300785.2); short protein forms F568L, F651L.
Identifiers: ClinVar variation 1002566 (VCV001002566.5), dbSNP rs1159084242, ClinGen allele CA357516050.